The following is an entry in ClinVar:

NM_000195.5(HPS1):c.776C>T (p.Pro259Leu)

Gene: HPS1 (HPS1 biogenesis of lysosomal organelles complex 3 subunit 1; minus strand). Cytogenetic location: 10q24.2.
Variant type: single nucleotide variant.
Coding change: c.776C>T on transcript NM_000195.5 (MANE Select); coding-DNA position 776, C replaced by T.
Protein change: p.Pro259Leu; replaces proline 259 with leucine.
Molecular consequence: missense variant. On other transcripts: 5 prime UTR variant (1), intron variant (8).
Genome position (GRCh38, 1-based): chr10:98,429,882, G>A on the plus strand (C>T on the coding strand, the complement: HPS1 is on the minus strand). VCF-style: chr10-98429882-G-A. GRCh37 (hg19) VCF-style: chr10-100189639-G-A.
Other names: c.776C>T, p.Pro259Leu (NM_001322476.2, NM_001322477.2, NM_182639.4); c.515C>T, p.Pro172Leu (NM_001322480.2, NM_001322481.2); c.407C>T, p.Pro136Leu (NM_001322483.2, NM_001322484.2); c.-197C>T (NM_001322487.2); c.658C>T, p.Arg220Cys (NM_001322490.2); c.769-240C>T (NM_001322478.2, NM_001322479.2, NM_001322491.2); c.400-240C>T (NM_001322485.2); c.508-240C>T (NM_001322482.2); and 2 more; short protein forms P136L, P172L, P259L, R220C.
Identifiers: ClinVar variation 1063283 (VCV001063283.5), dbSNP rs745797275, ClinGen allele CA5639284.

ClinVar aggregate classification (germline): Uncertain significance. Review status: criteria provided, multiple submitters, no conflicts (2 of 4 stars). 4 submissions from 4 submitters: Uncertain significance (3). 1 of the submissions does not count toward it. Last evaluated 2022-04-01.

Conditions:
Hermansky-Pudlak syndrome (HPS). Also called: ALBINISM WITH HEMORRHAGIC DIATHESIS AND PIGMENTED RETICULOENDOTHELIAL CELLS. Identifiers: Orphanet 79430, MedGen C0079504, MONDO:0019312.
Hermansky-Pudlak syndrome 1 (HPS1). Also called: DELTA STORAGE POOL DISEASE. Identifiers: Orphanet 231500, Orphanet 79430, MedGen C2931875, MONDO:0008748, OMIM 203300.

Allele frequency attached by ClinVar (database versions not stated): gnomAD 0.00001; gnomAD exomes 0.00002; TOPMed 0.00002; ExAC 0.00003.
gnomAD v4.1: 20 of 1,610,876 alleles (0.0012%); highest among the groups gnomAD compares: Admixed American, 0.01%; no homozygotes.

Submissions (4):

Fulgent Genetics
Classification: Uncertain significance for Hermansky-Pudlak syndrome 1. Last evaluated: 2022-04-01. Review status: criteria provided, single submitter. Criteria: ACMG Guidelines, 2015. Collection method: clinical testing. Allele origin: unknown.

Labcorp Genetics (formerly Invitae), Labcorp
Classification: Uncertain significance. Last evaluated: 2022-01-15. Review status: criteria provided, single submitter. Criteria: Invitae Variant Classification Sherloc (09022015). Collection method: clinical testing. Allele origin: germline.
Comment: This sequence change replaces proline, which is neutral and non-polar, with leucine, which is neutral and non-polar, at codon 259 of the HPS1 protein (p.Pro259Leu). This variant is present in population databases (rs745797275, gnomAD 0.009%). This variant has not been reported in the literature in individuals affected with HPS1-related conditions. ClinVar contains an entry for this variant (Variation ID: 1063283). Algorithms developed to predict the effect of missense changes on protein structure and function output the following: SIFT: "Tolerated"; PolyPhen-2: "Benign"; Align-GVGD: "Class C0". The leucine amino acid residue is found in multiple mammalian species, which suggests that this missense change does not adversely affect protein function. In summary, the available evidence is currently insufficient to determine the role of this variant in disease. Therefore, it has been classified as a Variant of Uncertain Significance.

Breakthrough Genomics
Classification: Uncertain significance. Review status: criteria provided, single submitter. Criteria: ACMG Guidelines, 2015. Collection method: not provided. Allele origin: germline. Inheritance: Autosomal recessive inheritance. Affected: yes.

Natera, Inc.
Classification: Uncertain significance for Hermansky-Pudlak syndrome. Last evaluated: 2020-11-07. Review status: no assertion criteria provided. Collection method: clinical testing. Allele origin: germline. Not counted in ClinVar's aggregate classification.